The following is an entry in ClinVar:

ClinVar aggregate classification (germline): Pathogenic. Review status: criteria provided, single submitter (1 of 4 stars). 2 submissions from 2 submitters: Pathogenic (1). 1 of the submissions does not count toward it. Last evaluated 2019-05-07.

Conditions:
Autistic behavior. Identifiers: MedGen C0856975, HP:0000729.
Intellectual disability. Also called: intellectual disabilities; Intellectual developmental disorder; Intellectual functioning disability. Identifiers: MedGen C3714756, MeSH D008607, MONDO:0001071, HP:0001249.
Autism, susceptibility to, X-linked 1 (AUTSX1). Also called: Autism susceptibility, X-linked 1. Identifiers: MedGen C1845540, MONDO:0010321, OMIM 300425.

Submissions (2):

Neurogenetics Research Program, University of Adelaide
Classification: Pathogenic for Intellectual disability; Autistic behavior. Last evaluated: 2019-05-07. Review status: criteria provided, single submitter. Criteria: Submitter's publication. Collection method: research. Allele origin: inherited, not applicable. Inheritance: X-linked inheritance. Affected: yes. Observed: 3 variant alleles, 3 hemizygotes. Clinical features observed: Autistic behavior (HP:0000729), Intellectual disability (HP:0001249).
Comment: Overexpression experiments in HEK293 and HeLa cell lines revealed that this variant affects the level of the mature NLGN3 protein, its localization at the plasma membrane and its presence as a cleaved form in the extracellular environment. The variant also induces an Unfolded Protein Response (UPR), probably due to the retention of immature NLGN3 protein in the endoplasmic reticulum.

OMIM
Classification: risk factor for AUTISM, SUSCEPTIBILITY TO, X-LINKED 1. Last evaluated: 2026-11-13. Review status: no assertion criteria provided. Collection method: literature only. Allele origin: germline. Not counted in ClinVar's aggregate classification.

Literature cited by the submitters: PubMed 31184401 (cited by OMIM).

NM_181303.2(NLGN3):c.1600C>T (p.Pro534Ser)

Gene: NLGN3 (neuroligin 3; plus strand). Cytogenetic location: Xq13.1.
Variant type: single nucleotide variant.
Coding change: c.1600C>T on transcript NM_181303.2 (MANE Select); coding-DNA position 1600, C replaced by T.
Protein change: p.Pro534Ser; replaces proline 534 with serine.
Molecular consequence: missense variant.
Genome position (GRCh38, 1-based): chrX:71,167,697, C>T. VCF-style: chrX-71167697-C-T. GRCh37 (hg19) VCF-style: chrX-70387547-C-T.
Other names: c.1480C>T, p.Pro494Ser (NM_001166660.2); c.1189C>T, p.Pro397Ser (NM_001321276.2); c.1540C>T, p.Pro514Ser (NM_018977.4); short protein forms P514S, P397S, P494S, P534S.
Identifiers: ClinVar variation 631481 (VCV000631481.4), dbSNP rs1569485503, ClinGen allele CA413563421.